The following is an entry in ClinVar:

NM_000340.2(SLC2A2):c.426_429dup (p.Phe144fs)

Gene: SLC2A2 (solute carrier family 2 member 2; minus strand). Cytogenetic location: 3q26.2.
Variant type: Duplication.
Coding change: c.426_429dup on transcript NM_000340.2 (MANE Select); coding-DNA positions 426 to 429, 4 bases duplicated (GGGG; older notation c.426_429dupGGGG).
Protein change: p.Phe144fs; shifts the reading frame from phenylalanine 144.
Molecular consequence: frameshift variant. On other transcripts: intron variant (1).
Genome position (GRCh38, 1-based): chr3:171,010,025-171,010,028, CCCC duplicated on the plus strand (GGGG on the coding strand, the reverse complement: SLC2A2 is on the minus strand). VCF-style (leftmost placement, unchanged base first): chr3-171010024-A-ACCCC. GRCh37 (hg19) VCF-style: chr3-170727813-A-ACCCC.
Other names: c.69_72dup, p.Phe25fs (NM_001278658.2); c.-23-2765_-23-2762dup (NM_001278659.2); short protein forms F25fs, F144fs.
Identifiers: ClinVar variation 4716172 (VCV004716172.1).

ClinVar aggregate classification (germline): Pathogenic (1 of 4 stars; one submission).

Conditions:
Fanconi-Bickel syndrome (FBS). Also called: HEPATIC GLYCOGENOSIS WITH AMINO ACIDURIA AND GLUCOSURIA; HEPATIC GLYCOGENOSIS WITH FANCONI NEPHROPATHY; HEPATORENAL GLYCOGENOSIS WITH RENAL FANCONI SYNDROME; PSEUDO-PHLORIZIN DIABETES; FANCONI SYNDROME WITH INTESTINAL MALABSORPTION AND GALACTOSE INTOLERANCE; Glycogen storage disease due to GLUT2 deficiency. Identifiers: Orphanet 2088, MedGen C3495427, MONDO:0009216, OMIM 227810.

Submission:

Labcorp Genetics (formerly Invitae), Labcorp
Classification: Pathogenic for Fanconi-Bickel syndrome. Last evaluated: 2025-06-12. Review status: criteria provided, single submitter. Criteria: Invitae Variant Classification Sherloc (09022015). Collection method: clinical testing. Allele origin: germline.
Comment: This sequence change creates a premature translational stop signal (p.Phe144Glyfs*36) in the SLC2A2 gene. It is expected to result in an absent or disrupted protein product. Loss-of-function variants in SLC2A2 are known to be pathogenic (PMID: 11810292). This variant is not present in population databases (gnomAD no frequency). This variant has not been reported in the literature in individuals affected with SLC2A2-related conditions. Algorithms developed to predict the effect of sequence changes on RNA splicing suggest that this variant may disrupt the consensus splice site. For these reasons, this variant has been classified as Pathogenic.

Literature cited by the submitters: PubMed 11810292.